The following is an entry in ClinVar:

NM_001378454.1(ALMS1):c.69_70insAAG (p.Glu23_Glu24insLys)

Gene: ALMS1 (ALMS1 centrosome and basal body associated protein; plus strand). Cytogenetic location: 2p13.1.
Variant type: Insertion.
Coding change: c.69_70insAAG on transcript NM_001378454.1 (MANE Select); coding-DNA positions 69 to 70, AAG inserted.
Protein change: p.Glu23_Glu24insLys.
Molecular consequence: inframe insertion.
Genome position: GRCh38 VCF-style: chr2-73385935-G-GAGA. GRCh37 (hg19) VCF-style: chr2-73613063-G-GAGA.
Other names: c.72_73insAAG, p.Glu24_Glu25insLys (NM_015120.4).
Identifiers: ClinVar variation 551340 (VCV000551340.5), dbSNP rs1006328829, ClinGen allele CA50368777.

ClinVar aggregate classification (germline): Uncertain significance. Review status: criteria provided, single submitter (1 of 4 stars). 3 submissions from 3 submitters: Uncertain significance (1). 2 of the submissions do not count toward it. Last evaluated 2022-07-26.

Conditions:
Alstrom syndrome (ALMS). Identifiers: Orphanet 64, MedGen C0268425, MONDO:0008763, OMIM 203800.

Submissions (3):

Labcorp Genetics (formerly Invitae), Labcorp
Classification: Uncertain significance for Alstrom syndrome. Last evaluated: 2022-07-26. Review status: criteria provided, single submitter. Criteria: Invitae Variant Classification Sherloc (09022015). Collection method: clinical testing. Allele origin: germline.
Comment: This variant, c.72_73insAAG, results in the insertion of 1 amino acid(s) of the ALMS1 protein (p.Glu24_Glu25insLys), but otherwise preserves the integrity of the reading frame. This variant is not present in population databases (gnomAD no frequency). This variant has not been reported in the literature in individuals affected with ALMS1-related conditions. ClinVar contains an entry for this variant (Variation ID: 551340). In summary, the available evidence is currently insufficient to determine the role of this variant in disease. Therefore, it has been classified as a Variant of Uncertain Significance.

Gharavi Laboratory, Columbia University
Classification: Uncertain significance. Last evaluated: 2018-09-16. Review status: no assertion criteria provided. Criteria: ACMG Guidelines, 2015. Collection method: research. Allele origin: germline. Affected: yes. Not counted in ClinVar's aggregate classification.

Counsyl
Classification: Uncertain significance for Alstrom syndrome. Last evaluated: 2017-03-31. Review status: no assertion criteria provided. Collection method: clinical testing. Allele origin: unknown. Not counted in ClinVar's aggregate classification.